The following is an entry in ClinVar:

ClinVar aggregate classification (germline): Uncertain significance (1 of 4 stars; one submission).

Submission:

GeneDx
Classification: Uncertain significance. Last evaluated: 2023-01-18. Review status: criteria provided, single submitter. Criteria: GeneDx Variant Classification Process June 2021. Collection method: clinical testing. Allele origin: germline. Affected: yes.
Comment: Not observed at significant frequency in large population cohorts (gnomAD); In silico analysis supports that this missense variant has a deleterious effect on protein structure/function; Has not been previously published as pathogenic or benign to our knowledge

NM_004699.4(FAM50A):c.926G>C (p.Arg309Thr)

Gene: FAM50A (family with sequence similarity 50 member A; plus strand). Cytogenetic location: Xq28.
Variant type: single nucleotide variant.
Coding change: c.926G>C on transcript NM_004699.4 (MANE Select); coding-DNA position 926, G replaced by C.
Protein change: p.Arg309Thr; replaces arginine 309 with threonine.
Molecular consequence: missense variant.
Genome position (GRCh38, 1-based): chrX:154,450,234, G>C. VCF-style: chrX-154450234-G-C. GRCh37 (hg19) VCF-style: chrX-153678582-G-C.
Other names: short protein forms R309T.
Identifiers: ClinVar variation 2573755 (VCV002573755.1), dbSNP rs2523044716, ClinGen allele CA415221239.